The following is an entry in ClinVar:

NM_005097.4(LGI1):c.303C>T (p.Asn101=)

Gene: LGI1 (leucine rich glioma inactivated 1; plus strand). Cytogenetic location: 10q23.33.
Variant type: single nucleotide variant.
Coding change: c.303C>T on transcript NM_005097.4 (MANE Select); coding-DNA position 303, C replaced by T.
Protein change: p.Asn101=; no amino-acid change (asparagine 101 retained).
Molecular consequence: synonymous variant. On other transcripts: intron variant (1).
Genome position (GRCh38, 1-based): chr10:93,777,394, C>T. VCF-style: chr10-93777394-C-T. GRCh37 (hg19) VCF-style: chr10-95537151-C-T.
Other names: c.303C>T (NM_005097.3); c.303C>T, p.Asn101= (NM_001308275.2); c.288-12705C>T (NM_001308276.2).
Identifiers: ClinVar variation 415036 (VCV000415036.17), dbSNP rs762343857, ClinGen allele CA5611062.
Genomic context (GRCh38, chr10:93,777,394, plus strand): 5'-AATCTGTCAGTTTCACCATTTTCATTGTGTACTTTTTCTGGGCAGGTTATTCACATCGAA[C>T]TCCTTTGATGTGATCAGTGATGATGCTTTTATTGGTCTTCCACATCTAGAGTATTTGTAA-3'
Protein context (NP_005088.1, residues 91-111): PSLQLLLFTS[Asn101=]SFDVISDDAF

ClinVar aggregate classification (germline): Likely benign. Review status: criteria provided, multiple submitters, no conflicts (2 of 4 stars). 4 submissions from 4 submitters: Likely benign (3). 1 of the submissions does not count toward it. Last evaluated 2025-12-25.

Conditions:
Autosomal dominant epilepsy with auditory features. Identifiers: Orphanet 101046, MedGen C1838062, MONDO:0010898.
LGI1-related disorder. Also called: LGI1-related condition.

Allele frequency attached by ClinVar (database versions not stated): gnomAD exomes 0.00002 and 0.00003; ExAC 0.00003; TOPMed 0.00004; gnomAD 0.00007 and 0.00008.
gnomAD v4.1: 47 of 1,613,690 alleles (0.0029%); highest among the groups gnomAD compares: Non-Finnish European, 0.0034%; no homozygotes.

Submissions (4):

Labcorp Genetics (formerly Invitae), Labcorp
Classification: Likely benign for Autosomal dominant epilepsy with auditory features. Last evaluated: 2025-12-25. Review status: criteria provided, single submitter. Criteria: Invitae Variant Classification Sherloc (09022015). Collection method: clinical testing. Allele origin: germline.

Blueprint Genetics
Classification: Likely benign. Last evaluated: 2024-07-29. Review status: criteria provided, single submitter. Criteria: ACMG Guidelines, 2015. Collection method: clinical testing. Allele origin: germline.

Breakthrough Genomics
Classification: Likely benign. Review status: criteria provided, single submitter. Criteria: ACMG Guidelines, 2015. Collection method: not provided. Allele origin: germline. Inheritance: Autosomal dominant inheritance. Affected: yes.

PreventionGenetics, part of Exact Sciences
Classification: Likely benign for LGI1-related condition. Last evaluated: 2019-05-17. Review status: no assertion criteria provided. Collection method: clinical testing. Allele origin: germline. Not counted in ClinVar's aggregate classification.
Comment: This variant is classified as likely benign based on ACMG/AMP sequence variant interpretation guidelines (Richards et al. 2015 PMID: 25741868, with internal and published modifications).